The following is an entry in ClinVar:

ClinVar aggregate classification (germline): Uncertain significance (1 of 4 stars; one submission).

Conditions:
Cone-rod dystrophy 13 (CORD13). Identifiers: Orphanet 1872, MedGen C2750720, MONDO:0011987, OMIM 608194.
Leber congenital amaurosis 6 (LCA6). Identifiers: Orphanet 65, MedGen C1854260, MONDO:0013446, OMIM 613826.

Allele frequency attached by ClinVar (database versions not stated): gnomAD 0.00001 and 0.00002; gnomAD exomes 0.00002; ExAC 0.00005.
gnomAD v4.1: 26 of 1,608,998 alleles (0.0016%); highest among the groups gnomAD compares: East Asian, 0.011%; no homozygotes.

Submission:

Labcorp Genetics (formerly Invitae), Labcorp
Classification: Uncertain significance for Leber congenital amaurosis 6; Cone-rod dystrophy 13. Last evaluated: 2024-10-16. Review status: criteria provided, single submitter. Criteria: Invitae Variant Classification Sherloc (09022015). Collection method: clinical testing. Allele origin: germline.
Comment: This sequence change replaces aspartic acid, which is acidic and polar, with asparagine, which is neutral and polar, at codon 1097 of the RPGRIP1 protein (p.Asp1097Asn). This variant is present in population databases (rs779356445, gnomAD 0.007%). This variant has not been reported in the literature in individuals affected with RPGRIP1-related conditions. ClinVar contains an entry for this variant (Variation ID: 1367217). Invitae Evidence Modeling of protein sequence and biophysical properties (such as structural, functional, and spatial information, amino acid conservation, physicochemical variation, residue mobility, and thermodynamic stability) indicates that this missense variant is expected to disrupt RPGRIP1 protein function with a positive predictive value of 80%. In summary, the available evidence is currently insufficient to determine the role of this variant in disease. Therefore, it has been classified as a Variant of Uncertain Significance.

NM_020366.4(RPGRIP1):c.3289G>A (p.Asp1097Asn)

Gene: RPGRIP1 (RPGR interacting protein 1; plus strand). Cytogenetic location: 14q11.2.
Variant type: single nucleotide variant.
Coding change: c.3289G>A on transcript NM_020366.4 (MANE Select); coding-DNA position 3289, G replaced by A.
Protein change: p.Asp1097Asn; replaces aspartic acid 1097 with asparagine.
Molecular consequence: missense variant.
Genome position (GRCh38, 1-based): chr14:21,334,655, G>A. VCF-style: chr14-21334655-G-A. GRCh37 (hg19) VCF-style: chr14-21802814-G-A.
Other names: c.1267G>A, p.Asp423Asn (NM_001377523.1, NM_001377950.1); c.2215G>A, p.Asp739Asn (NM_001377948.1); c.1375G>A, p.Asp459Asn (NM_001377949.1); c.772G>A, p.Asp258Asn (NM_001377951.1); short protein forms D423N, D459N, D739N, D258N, D1097N.
Identifiers: ClinVar variation 1367217 (VCV001367217.4), dbSNP rs779356445, ClinGen allele CA7089478.